The following is an entry in ClinVar:

ClinVar aggregate classification (germline): Uncertain significance. Review status: criteria provided, multiple submitters, no conflicts (2 of 4 stars). 3 submissions from 3 submitters: Uncertain significance (3). Last evaluated 2025-12-09.

Conditions:
Tietz syndrome (TADS). Also called: HYPOPIGMENTATION/DEAFNESS OF TIETZ; TIETZ ALBINISM-DEAFNESS SYNDROME; ALBINISM-DEAFNESS OF TIETZ. Identifiers: Orphanet 42665, MedGen C0391816, MONDO:0007077, OMIM 103500.
Waardenburg syndrome type 2A (WS2A). Also called: WAARDENBURG SYNDROME WITHOUT DYSTOPIA CANTHORUM. Identifiers: Orphanet 3440, MedGen C1860339, MONDO:0008671, OMIM 193510.
Melanoma, cutaneous malignant, susceptibility to, 8. Also called: MELANOMA AND RENAL CELL CARCINOMA, SUSCEPTIBILITY TO; Cutaneous malignant melanoma 8. Identifiers: Orphanet 293822, MedGen C3152204, MONDO:0013759, OMIM 614456.
Hereditary cancer-predisposing syndrome. Also called: Hereditary Cancer Syndrome; Tumor predisposition; Neoplastic Syndromes, Hereditary; Hereditary neoplastic syndrome. Identifiers: Orphanet 140162, MedGen C0027672, MeSH D009386, MONDO:0015356.

Allele frequency attached by ClinVar (database versions not stated): gnomAD 0.00001; TOPMed 0.00002; ExAC 0.00005; gnomAD exomes 0.00006.
gnomAD v4.1: 40 of 1,613,850 alleles (0.0025%); highest among the groups gnomAD compares: East Asian, 0.031%; no homozygotes.

Submissions (3):

Labcorp Genetics (formerly Invitae), Labcorp
Classification: Uncertain significance for Melanoma, cutaneous malignant, susceptibility to, 8; Waardenburg syndrome type 2A; Tietz syndrome. Last evaluated: 2025-12-09. Review status: criteria provided, single submitter. Criteria: Invitae Variant Classification Sherloc (09022015). Collection method: clinical testing. Allele origin: germline.
Comment: This sequence change replaces arginine, which is basic and polar, with glutamine, which is neutral and polar, at codon 293 of the MITF protein (p.Arg293Gln). This variant is present in population databases (rs774249941, gnomAD 0.04%). This variant has not been reported in the literature in individuals affected with MITF-related conditions. ClinVar contains an entry for this variant (Variation ID: 1327840). Invitae Evidence Modeling of protein sequence and biophysical properties (such as structural, functional, and spatial information, amino acid conservation, physicochemical variation, residue mobility, and thermodynamic stability) indicates that this missense variant is not expected to disrupt MITF protein function with a negative predictive value of 80%. In summary, the available evidence is currently insufficient to determine the role of this variant in disease. Therefore, it has been classified as a Variant of Uncertain Significance.

GeneDx
Classification: Uncertain significance. Last evaluated: 2025-06-12. Review status: criteria provided, single submitter. Criteria: GeneDx Variant Classification Process June 2021. Collection method: clinical testing. Allele origin: germline. Affected: yes.
Comment: In silico analysis suggests that this missense variant does not alter protein structure/function; Has not been previously published as pathogenic or benign to our knowledge

Ambry Genetics
Classification: Uncertain significance for Hereditary cancer-predisposing syndrome. Last evaluated: 2024-11-20. Review status: criteria provided, single submitter. Criteria: Ambry Variant Classification Scheme 2023. Collection method: clinical testing. Allele origin: germline.
Comment: The p.R293Q variant (also known as c.878G>A), located in coding exon 9 of the MITF gene, results from a G to A substitution at nucleotide position 878. The arginine at codon 293 is replaced by glutamine, an amino acid with highly similar properties. This amino acid position is conserved. In addition, the in silico prediction for this alteration is inconclusive. Based on the available evidence, the clinical significance of this variant remains unclear.

NM_001354604.2(MITF):c.1199G>A (p.Arg400Gln)

Gene: MITF (melanocyte inducing transcription factor; plus strand). Cytogenetic location: 3p13.
Variant type: single nucleotide variant.
Coding change: c.1199G>A on transcript NM_001354604.2 (MANE Select); coding-DNA position 1199, G replaced by A.
Protein change: p.Arg400Gln; replaces arginine 400 with glutamine.
Molecular consequence: missense variant.
Genome position (GRCh38, 1-based): chr3:69,964,866, G>A. VCF-style: chr3-69964866-G-A. GRCh37 (hg19) VCF-style: chr3-70014017-G-A.
Other names: c.878G>A, p.Arg293Gln (NM_000248.4); c.1025G>A, p.Arg342Gln (NM_001184967.2, NM_001354608.2); c.1196G>A, p.Arg399Gln (NM_001354605.2); c.1178G>A, p.Arg393Gln (NM_001354606.2, NM_006722.3); c.1130G>A, p.Arg377Gln (NM_001354607.2); c.860G>A, p.Arg287Gln (NM_198158.3); c.1181G>A, p.Arg394Gln (NM_198159.3); c.1133G>A, p.Arg378Gln (NM_198177.3); and 1 more; short protein forms R231Q, R287Q, R293Q, R342Q, R377Q, R378Q, R393Q, R394Q.
Identifiers: ClinVar variation 1327840 (VCV001327840.10), dbSNP rs774249941, ClinGen allele CA2490623.